The following is an entry in ClinVar:

NM_022716.4(PRRX1):c.210C>T (p.Leu70=)

Gene: PRRX1 (paired related homeobox 1; plus strand). Cytogenetic location: 1q24.2.
Variant type: single nucleotide variant.
Coding change: c.210C>T on transcript NM_022716.4 (MANE Select); coding-DNA position 210, C replaced by T.
Protein change: p.Leu70=; no amino-acid change (leucine 70 retained).
Molecular consequence: synonymous variant.
Genome position (GRCh38, 1-based): chr1:170,664,428, C>T. VCF-style: chr1-170664428-C-T. GRCh37 (hg19) VCF-style: chr1-170633569-C-T.
Other names: c.210C>T, p.Leu70= (NM_006902.5).
Identifiers: ClinVar variation 774800 (VCV000774800.11), dbSNP rs372174969, ClinGen allele CA1239451.
Genomic context (GRCh38, chr1:170,664,428, plus strand): 5'-GGCACAGGCGGATGAGAACGTGGGCGAGGCTGGCCGGAGCCTGCTGGAGTCGCCGGGACT[C>T]ACCAGCGGCAGCGACACCCCGCAGCAGGACAGTGAGTGAGGGGCGCATGCCCACGGGGGT-3'
Protein context (NP_073207.1, residues 60-80): AGRSLLESPG[Leu70=]TSGSDTPQQD

ClinVar aggregate classification (germline): Likely benign. Review status: criteria provided, multiple submitters, no conflicts (2 of 4 stars). 4 submissions from 4 submitters: Likely benign (4). Last evaluated 2026-06-01.

Conditions:
PRRX1-related disorder. Also called: PRRX1-related condition.

Allele frequency attached by ClinVar (database versions not stated): ESP Exome Variant Server 0.00015; gnomAD 0.00036 and 0.00042; TOPMed 0.00036; gnomAD exomes 0.00056 and 0.00059; 1000 Genomes Project 30x 0.00078; 1000 Genomes Project 0.00080; ExAC 0.00106.
gnomAD v4.1: 883 of 1,608,154 alleles (0.055%); highest among the groups gnomAD compares: Middle Eastern, 0.39%; 3 homozygotes.

Submissions (4):

CeGaT Center for Human Genetics Tuebingen
Classification: Likely benign. Last evaluated: 2026-06-01. Review status: criteria provided, single submitter. Criteria: CeGaT Center For Human Genetics Tuebingen Variant Classification Criteria Version 2. Collection method: clinical testing. Allele origin: germline. Affected: yes. Observed: 2 variant alleles.
Comment: PRRX1: BP4, BP7

PreventionGenetics, part of Exact Sciences
Classification: Likely benign for PRRX1-related condition. Last evaluated: 2024-12-31. Review status: criteria provided, single submitter. Criteria: ACMG Guidelines, 2015. Collection method: clinical testing. Allele origin: germline.
Comment: This variant is classified as likely benign based on ACMG/AMP sequence variant interpretation guidelines (Richards et al. 2015 PMID: 25741868, with internal and published modifications).

Labcorp Genetics (formerly Invitae), Labcorp
Classification: Likely benign. Last evaluated: 2019-12-31. Review status: criteria provided, single submitter. Criteria: Invitae Variant Classification Sherloc (09022015). Collection method: clinical testing. Allele origin: germline.

Breakthrough Genomics
Classification: Likely benign. Review status: criteria provided, single submitter. Criteria: ACMG Guidelines, 2015. Collection method: not provided. Allele origin: germline. Inheritance: Autosomal recessive inheritance. Affected: yes.